The following is an entry in ClinVar:

ClinVar aggregate classification (germline): Pathogenic (1 of 4 stars; one submission).

Conditions:
Neurofibromatosis, type 1 (NF1). Also called: VON RECKLINGHAUSEN DISEASE; Peripheral type neurofibromatosis; Neurofibromatosis, type I; NEUROFIBROMATOSIS, TYPE I, SOMATIC. Identifiers: Orphanet 636, MedGen C0027831, MONDO:0018975, OMIM 162200. Disease mechanism: loss of function.

Submission:

Labcorp Genetics (formerly Invitae), Labcorp
Classification: Pathogenic for Neurofibromatosis, type 1. Last evaluated: 2015-03-29. Review status: criteria provided, single submitter. Criteria: Invitae Variant Classification Sherloc (09022015). Collection method: clinical testing. Allele origin: germline.
Comment: While this particular sequence change has not been reported in the literature, truncating sequence changes in NF1 are known to be pathogenic (PMID: 10712197, 23913538). This sequence change deletes 1 nucleotide from exon 9 of the NF1 mRNA (c.1058delT), causing a frameshift at codon 354. This creates a premature translational stop signal (p.Lys354Argfs*22) and is expected to result in an absent or disrupted protein product. For these reasons, this variant has been classified as Pathogenic.

Literature cited by the submitters: PubMed 10712197; PubMed 23913538.

NM_001042492.3(NF1):c.1059del (p.Lys354fs)

Gene: NF1 (neurofibromin 1; plus strand). Cytogenetic location: 17q11.2.
Variant type: Deletion.
Coding change: c.1059del on transcript NM_001042492.3 (MANE Select); coding-DNA position 1059, one base deleted (T; older notation c.1059delT).
Protein change: p.Lys354fs; shifts the reading frame from lysine 354.
Molecular consequence: frameshift variant.
Genome position (GRCh38, 1-based): chr17:31,200,592, T deleted; the last of 2 consecutive T bases (chr17:31,200,591-31,200,592); deleting either gives the same sequence. VCF-style (leftmost placement, unchanged base first): chr17-31200590-CT-C. GRCh37 (hg19) VCF-style: chr17-29527608-CT-C.
Other names: c.1058delT (NM_000267.3); c.1059delT, p.Lys354Argfs (NM_000267.4); c.1059del, p.Lys354fs (NM_001128147.3); short protein forms K354fs.
Identifiers: ClinVar variation 216060 (VCV000216060.5), dbSNP rs863224488, ClinGen allele CA336562.